The following is an entry in ClinVar:

NM_000283.4(PDE6B):c.551A>G (p.Lys184Arg)

Gene: PDE6B (phosphodiesterase 6B; plus strand). Cytogenetic location: 4p16.3.
Variant type: single nucleotide variant.
Coding change: c.551A>G on transcript NM_000283.4 (MANE Select); coding-DNA position 551, A replaced by G.
Protein change: p.Lys184Arg; replaces lysine 184 with arginine.
Molecular consequence: missense variant.
Genome position (GRCh38, 1-based): chr4:634,759, A>G. VCF-style: chr4-634759-A-G. GRCh37 (hg19) VCF-style: chr4-628548-A-G.
Other names: c.551A>G, p.Lys184Arg (NM_001145291.2); short protein forms K184R.
Identifiers: ClinVar variation 1947436 (VCV001947436.8), dbSNP rs1734561507, ClinGen allele CA355908271.

ClinVar aggregate classification (germline): Uncertain significance. Review status: criteria provided, multiple submitters, no conflicts (2 of 4 stars). 4 submissions from 4 submitters: Uncertain significance (3). 1 of the submissions does not count toward it. Last evaluated 2025-06-24.

Conditions:
Inborn genetic diseases. Identifiers: MedGen C0950123, MeSH D030342.
Retinal dystrophy. Also called: Inherited retinal dystrophy. Identifiers: Orphanet 71862, MedGen C0854723, MeSH D058499, MONDO:0019118, HP:0000556.

Allele frequency attached by ClinVar (database versions not stated): gnomAD exomes 0.00001.
gnomAD v4.1: 9 of 1,613,704 alleles (0.00056%); highest among the groups gnomAD compares: Middle Eastern, 0.099%; no homozygotes.

Submissions (4):

Labcorp Genetics (formerly Invitae), Labcorp
Classification: Uncertain significance. Last evaluated: 2025-06-24. Review status: criteria provided, single submitter. Criteria: Invitae Variant Classification Sherloc (09022015). Collection method: clinical testing. Allele origin: germline.
Comment: This sequence change replaces lysine, which is basic and polar, with arginine, which is basic and polar, at codon 184 of the PDE6B protein (p.Lys184Arg). This variant is not present in population databases (gnomAD no frequency). This variant has not been reported in the literature in individuals affected with PDE6B-related conditions. ClinVar contains an entry for this variant (Variation ID: 1947436). Invitae Evidence Modeling of protein sequence and biophysical properties (such as structural, functional, and spatial information, amino acid conservation, physicochemical variation, residue mobility, and thermodynamic stability) has been performed for this missense variant. However, the output from this modeling did not meet the statistical confidence thresholds required to predict the impact of this variant on PDE6B protein function. In summary, the available evidence is currently insufficient to determine the role of this variant in disease. Therefore, it has been classified as a Variant of Uncertain Significance.

Ambry Genetics
Classification: Uncertain significance for Inborn genetic diseases. Last evaluated: 2022-01-26. Review status: criteria provided, single submitter. Criteria: Ambry Variant Classification Scheme 2023. Collection method: clinical testing. Allele origin: germline.

Blueprint Genetics
Classification: Uncertain significance. Last evaluated: 2019-05-21. Review status: criteria provided, single submitter. Criteria: ACMG Guidelines, 2015. Collection method: clinical testing. Allele origin: germline.

Institute of Human Genetics, Univ. Regensburg, Univ. Regensburg
Classification: Uncertain significance for Retinal dystrophy. Last evaluated: 2020-01-01. Review status: no assertion criteria provided. Criteria: ACMG Guidelines, 2015. Collection method: clinical testing. Allele origin: germline. Affected: yes. Not counted in ClinVar's aggregate classification.